The following is an entry in ClinVar:

NM_004415.4(DSP):c.6089C>A (p.Ser2030Tyr)

Gene: DSP (desmoplakin; plus strand). Cytogenetic location: 6p24.3.
Variant type: single nucleotide variant.
Coding change: c.6089C>A on transcript NM_004415.4 (MANE Select); coding-DNA position 6089, C replaced by A.
Protein change: p.Ser2030Tyr; replaces serine 2030 with tyrosine.
Molecular consequence: missense variant.
Genome position (GRCh38, 1-based): chr6:7,583,351, C>A. VCF-style: chr6-7583351-C-A. GRCh37 (hg19) VCF-style: chr6-7583584-C-A.
Other names: c.4292C>A, p.Ser1431Tyr (NM_001008844.3); c.4760C>A, p.Ser1587Tyr (NM_001319034.2); short protein forms S1431Y, S1587Y, S2030Y.
Identifiers: ClinVar variation 1468672 (VCV001468672.8), dbSNP rs867842357, ClinGen allele CA362690055.

ClinVar aggregate classification (germline): Uncertain significance (1 of 4 stars; one submission).

Conditions:
Arrhythmogenic right ventricular dysplasia 8 (ARVD8). Also called: Arrhythmogenic Right Ventricular Dysplasia/Cardiomyopathy 8; ARRHYTHMOGENIC RIGHT VENTRICULAR DYSPLASIA, FAMILIAL, 8; ARRHYTHMOGENIC RIGHT VENTRICULAR CARDIOMYOPATHY 8. Identifiers: MedGen C1843896, MONDO:0011831, OMIM 607450.
Arrhythmogenic cardiomyopathy with wooly hair and keratoderma. Also called: Carvajal syndrome; Dilated cardiomyopathy with woolly hair and keratoderma; Arrhythmogenic cardiomyopathy with woolly hair and keratoderma; PALMOPLANTAR KERATODERMA WITH LEFT VENTRICULAR CARDIOMYOPATHY AND WOOLLY HAIR. Identifiers: Orphanet 65282, MedGen C1854063, MONDO:0011581, OMIM 605676.

Submission:

Labcorp Genetics (formerly Invitae), Labcorp
Classification: Uncertain significance for Arrhythmogenic cardiomyopathy with wooly hair and keratoderma; Arrhythmogenic right ventricular dysplasia 8. Last evaluated: 2022-07-26. Review status: criteria provided, single submitter. Criteria: Invitae Variant Classification Sherloc (09022015). Collection method: clinical testing. Allele origin: germline.
Comment: ClinVar contains an entry for this variant (Variation ID: 1468672). In summary, the available evidence is currently insufficient to determine the role of this variant in disease. Therefore, it has been classified as a Variant of Uncertain Significance. Algorithms developed to predict the effect of missense changes on protein structure and function are either unavailable or do not agree on the potential impact of this missense change (SIFT: "Deleterious"; PolyPhen-2: "Possibly Damaging"; Align-GVGD: "Class C15"). This variant has not been reported in the literature in individuals affected with DSP-related conditions. This variant is not present in population databases (gnomAD no frequency). This sequence change replaces serine, which is neutral and polar, with tyrosine, which is neutral and polar, at codon 2030 of the DSP protein (p.Ser2030Tyr).